The following is an entry in ClinVar:

ClinVar aggregate classification (germline): Pathogenic (1 of 4 stars; one submission).

Conditions:
Polycystic kidney disease, adult type (PKD1). Also called: Polycystic Kidney, Autosomal Dominant; POLYCYSTIC KIDNEY DISEASE 1 WITH OR WITHOUT POLYCYSTIC LIVER DISEASE; POLYCYSTIC KIDNEY DISEASE, ADULT, TYPE I; Polycystic Kidney Disease 1, Autosomal Dominant; Polycystic kidney disease 1; Polycystic kidney disease 1, severe. Identifiers: MedGen C3149841, MONDO:0008263, OMIM 173900.

Submission:

Juno Genomics, Hangzhou Juno Genomics, Inc
Classification: Pathogenic for Polycystic kidney disease, adult type. Review status: criteria provided, single submitter. Criteria: ACMG Guidelines, 2015. Collection method: clinical testing. Allele origin: germline. Affected: yes.
Comment: Absent from controls (or at extremely low frequency if recessive) in Genome Aggregation Database, Exome Sequencing Project, 1000 Genomes Project, or Exome Aggregation Consortium.;Null variant in a gene where loss of function (LOF) is a known mechanism of disease.;Patient's phenotype or family history is highly specific for a disease with a single genetic etiology.

NM_001009944.3(PKD1):c.11814del (p.Trp3939fs)

Gene: PKD1 (polycystin 1, transient receptor potential channel interacting; minus strand). Cytogenetic location: 16p13.3.
Variant type: Deletion.
Coding change: c.11814del on transcript NM_001009944.3 (MANE Select); coding-DNA position 11814, one base deleted (G; older notation c.11814delG).
Protein change: p.Trp3939fs; shifts the reading frame from tryptophan 3939.
Molecular consequence: frameshift variant.
Genome position (GRCh38, 1-based): chr16:2,091,073, C deleted on the plus strand (G on the coding strand, the reverse complement: PKD1 is on the minus strand); the first of 2 consecutive C bases (chr16:2,091,073-2,091,074); deleting either gives the same sequence. VCF-style (leftmost placement, unchanged base first): chr16-2091072-AC-A. GRCh37 (hg19) VCF-style: chr16-2141073-AC-A.
Other names: c.11811del, p.Trp3938fs (NM_000296.4); short protein forms W3939fs, W3938fs.
Identifiers: ClinVar variation 3335835 (VCV003335835.2).